The following is an entry in ClinVar:

ClinVar aggregate classification (germline): Uncertain significance (1 of 4 stars; one submission).

Allele frequency attached by ClinVar (database versions not stated): TOPMed below 0.00001; gnomAD 0.00001.

Submission:

Women's Health and Genetics/Laboratory Corporation of America, LabCorp
Classification: Uncertain significance. Last evaluated: 2024-03-28. Review status: criteria provided, single submitter. Criteria: LabCorp Variant Classification Summary - May 2015. Collection method: clinical testing. Allele origin: germline.
Comment: Variant summary: CIC c.304T>A (p.Cys102Ser) results in a non-conservative amino acid change in the encoded protein sequence. Four of five in-silico tools predict a benign effect of the variant on protein function. The variant was absent in 248386 control chromosomes. The available data on variant occurrences in the general population are insufficient to allow any conclusion about variant significance. To our knowledge, no occurrence of c.304T>A in individuals affected with Mental Retardation, Autosomal Dominant 45 and no experimental evidence demonstrating its impact on protein function have been reported. No submitters have cited clinical-significance assessments for this variant to ClinVar. Based on the evidence outlined above, the variant was classified as uncertain significance.

NM_001386298.1(CIC):c.3031T>A (p.Cys1011Ser)

Gene: CIC (capicua transcriptional repressor; plus strand). Cytogenetic location: 19q13.2.
Variant type: single nucleotide variant.
Coding change: c.3031T>A on transcript NM_001386298.1 (MANE Select); coding-DNA position 3031, T replaced by A.
Protein change: p.Cys1011Ser; replaces cysteine 1011 with serine.
Molecular consequence: missense variant.
Genome position (GRCh38, 1-based): chr19:42,287,092, T>A. VCF-style: chr19-42287092-T-A. GRCh37 (hg19) VCF-style: chr19-42791244-T-A.
Other names: c.3031T>A, p.Cys1011Ser (NM_001304815.2, NM_001379480.1, NM_001379482.1 and 1 more transcripts); c.304T>A, p.Cys102Ser (NM_001379484.1, NM_001379485.1, NM_015125.5); short protein forms C1011S, C102S.
Identifiers: ClinVar variation 3233728 (VCV003233728.2), dbSNP rs2037707528, ClinGen allele CA406096859.